The following is an entry in ClinVar:

NM_000020.3(ACVRL1):c.651del (p.Trp217fs)

Gene: ACVRL1 (activin A receptor like type 1; plus strand). Cytogenetic location: 12q13.13.
Variant type: Deletion.
Coding change: c.651del on transcript NM_000020.3 (MANE Select); coding-DNA position 651, one base deleted (G; older notation c.651delG).
Protein change: p.Trp217fs; shifts the reading frame from tryptophan 217.
Molecular consequence: frameshift variant.
Genome position (GRCh38, 1-based): chr12:51,914,464, G deleted; the last of 2 consecutive G bases (chr12:51,914,463-51,914,464); deleting either gives the same sequence. VCF-style (leftmost placement, unchanged base first): chr12-51914462-TG-T. GRCh37 (hg19) VCF-style: chr12-52308246-TG-T.
Other names: c.651del, p.Trp217fs (NM_001077401.2); c.651delG, p.Trp217Cysfs (NM_001406487.1, NM_001406488.1, NM_001406489.1); c.339delG, p.Trp113Cysfs (NM_001406490.1, NM_001406491.1, NM_001406492.1 and 2 more transcripts); c.87delG, p.Trp29Cysfs (NM_001406495.1); short protein forms W217fs.
Identifiers: ClinVar variation 2031436 (VCV002031436.4), dbSNP rs2540162561, ClinGen allele CA2580086469.
Genomic context (GRCh38, chr12:51,914,462, plus strand): 5'-CCAGTGTGTAACCCTCACCTTCCCCTCTGGCCATCAGGAAAAGGCCGCTATGGCGAAGTG[TG>T]GCGGGGCTTGTGGCACGGTGAGAGTGTGGCCGTCAAGATCTTCTCCTCGAGGGATGAACA-3'

ClinVar aggregate classification (germline): Pathogenic (1 of 4 stars; one submission).

Conditions:
Telangiectasia, hereditary hemorrhagic, type 2 (HHT2). Also called: ACVRL1-Related Hereditary Hemorrhagic Telangiectasia; Telangiectasia, hereditary hemorrhagic, type II. Identifiers: Orphanet 774, MedGen C1838163, MONDO:0010880, OMIM 600376. Disease mechanism: loss of function.

Submission:

Labcorp Genetics (formerly Invitae), Labcorp
Classification: Pathogenic for Telangiectasia, hereditary hemorrhagic, type 2. Last evaluated: 2023-09-04. Review status: criteria provided, single submitter. Criteria: Invitae Variant Classification Sherloc (09022015). Collection method: clinical testing. Allele origin: germline.
Comment: This sequence change creates a premature translational stop signal (p.Trp217Cysfs*41) in the ACVRL1 gene. It is expected to result in an absent or disrupted protein product. Loss-of-function variants in ACVRL1 are known to be pathogenic (PMID: 15879500). This variant is not present in population databases (gnomAD no frequency). This variant has not been reported in the literature in individuals affected with ACVRL1-related conditions. ClinVar contains an entry for this variant (Variation ID: 2031436). For these reasons, this variant has been classified as Pathogenic.

Literature cited by the submitters: PubMed 15879500.